The following is an entry in ClinVar:

ClinVar aggregate classification (germline): Uncertain significance. Review status: criteria provided, multiple submitters, no conflicts (2 of 4 stars). 3 submissions from 3 submitters: Uncertain significance (3). Last evaluated 2025-04-03.

Conditions:
Inborn genetic diseases. Identifiers: MedGen C0950123, MeSH D030342.

Allele frequency attached by ClinVar (database versions not stated): ExAC 0.00001; gnomAD exomes 0.00001 and 0.00002.
gnomAD v4.1: 23 of 1,614,116 alleles (0.0014%); highest among the groups gnomAD compares: South Asian, 0.0044%; no homozygotes.

Submissions (3):

Ambry Genetics
Classification: Uncertain significance for Inborn genetic diseases. Last evaluated: 2025-04-03. Review status: criteria provided, single submitter. Criteria: Ambry Variant Classification Scheme 2023. Collection method: clinical testing. Allele origin: germline.

Labcorp Genetics (formerly Invitae), Labcorp
Classification: Uncertain significance. Last evaluated: 2021-09-27. Review status: criteria provided, single submitter. Criteria: Invitae Variant Classification Sherloc (09022015). Collection method: clinical testing. Allele origin: germline.
Comment: This sequence change replaces proline with leucine at codon 43 of the TMIE protein (p.Pro43Leu). The proline residue is highly conserved and there is a moderate physicochemical difference between proline and leucine. This variant is present in population databases (rs762693127, ExAC 0.002%). This variant has not been reported in the literature in individuals affected with TMIE-related conditions. Algorithms developed to predict the effect of missense changes on protein structure and function are either unavailable or do not agree on the potential impact of this missense change (SIFT: "Deleterious"; PolyPhen-2: "Probably Damaging"; Align-GVGD: "Class C0"). In summary, the available evidence is currently insufficient to determine the role of this variant in disease. Therefore, it has been classified as a Variant of Uncertain Significance.

Blueprint Genetics
Classification: Uncertain significance. Last evaluated: 2018-10-02. Review status: criteria provided, single submitter. Criteria: ACMG Guidelines, 2015. Collection method: clinical testing. Allele origin: germline.

NM_147196.3(TMIE):c.128C>T (p.Pro43Leu)

Gene: TMIE (transmembrane inner ear; plus strand). Cytogenetic location: 3p21.31.
Variant type: single nucleotide variant.
Coding change: c.128C>T on transcript NM_147196.3 (MANE Select); coding-DNA position 128, C replaced by T.
Protein change: p.Pro43Leu; replaces proline 43 with leucine.
Molecular consequence: missense variant. On other transcripts: 5 prime UTR variant (2).
Genome position (GRCh38, 1-based): chr3:46,705,824, C>T. VCF-style: chr3-46705824-C-T. GRCh37 (hg19) VCF-style: chr3-46747314-C-T.
Other names: c.-32C>T (NM_001370524.1, NM_001370525.1); c.128C>T (NM_147196.2); short protein forms P43L.
Identifiers: ClinVar variation 1444804 (VCV001444804.8), dbSNP rs762693127, ClinGen allele CA2357935.
Genomic context (GRCh38, chr3:46,705,824, plus strand): 5'-TCACTCCCCTCTCTCCTGACCCACAGCCCAGCACGGCCCCACCCAAGCCCAAGCCGCCTC[C>T]GCTGACCAAGGAGACAGTGGTGTTCTGGGACATGCGCCTGTGGCACGTGGTGGGCATCTT-3'
Protein context (NP_671729.2, residues 33-53): STAPPKPKPP[Pro43Leu]LTKETVVFWD